The following is an entry in ClinVar:

ClinVar aggregate classification (germline): Uncertain significance (1 of 4 stars; one submission).

Conditions:
Adenylosuccinate lyase deficiency (ADSLD). Also called: ADSL DEFICIENCY. Identifiers: Orphanet 46, MedGen C0268126, MONDO:0007068, OMIM 103050.

Allele frequency attached by ClinVar (database versions not stated): TOPMed 0.00001.

Submission:

Labcorp Genetics (formerly Invitae), Labcorp
Classification: Uncertain significance for Adenylosuccinate lyase deficiency. Last evaluated: 2021-04-14. Review status: criteria provided, single submitter. Criteria: Invitae Variant Classification Sherloc (09022015). Collection method: clinical testing. Allele origin: germline.
Comment: This variant occurs in a non-coding region of the ADSL gene. It does not change the encoded amino acid sequence of the ADSL protein. The frequency data for this variant in the population databases is considered unreliable, as metrics indicate insufficient coverage at this position in the ExAC database. This variant has not been reported in the literature in individuals with ADSL-related conditions. Experimental studies and prediction algorithms are not available or were not evaluated, and the functional significance of this variant is currently unknown. In summary, the available evidence is currently insufficient to determine the role of this variant in disease. Therefore, it has been classified as a Variant of Uncertain Significance.

NC_000022.11:g.40346117_40346120del

Gene: ADSL (adenylosuccinate lyase; plus strand). Cytogenetic location: 22q13.1.
Variant type: Deletion.
Genome position: GRCh38 VCF-style: chr22-40346116-CCTTT-C. GRCh37 (hg19) VCF-style: chr22-40742120-CCTTT-C.
Identifiers: ClinVar variation 1897582 (VCV001897582.4), dbSNP rs1240641892, ClinGen allele CA753179842.